The following is an entry in ClinVar:

ClinVar aggregate classification (germline): Uncertain significance (1 of 4 stars; one submission).

Conditions:
Cardiovascular phenotype. Identifiers: MedGen CN230736.

Allele frequency attached by ClinVar (database versions not stated): gnomAD exomes 0.00004; ExAC 0.00007; TOPMed 0.00002.
gnomAD v4.1: 23 of 1,613,870 alleles (0.0014%); highest among the groups gnomAD compares: Non-Finnish European, 0.0019%; no homozygotes.

Submission:

Ambry Genetics
Classification: Uncertain significance for Cardiovascular phenotype. Last evaluated: 2026-07-07. Review status: criteria provided, single submitter. Criteria: Ambry Variant Classification Scheme 2023. Collection method: clinical testing. Allele origin: germline.
Comment: The p.T3948I variant (also known as c.11843C>T), located in coding exon 27 of the APOB gene, results from a C to T substitution at nucleotide position 11843. The threonine at codon 3948 is replaced by isoleucine, an amino acid with similar properties. This amino acid position is conserved. In addition, this alteration is predicted to be tolerated by in silico analysis. Based on the available evidence, the clinical significance of this variant remains unclear.

NM_000384.3(APOB):c.11843C>T (p.Thr3948Ile)

Gene: APOB (apolipoprotein B; minus strand). Cytogenetic location: 2p24.1.
Variant type: single nucleotide variant.
Coding change: c.11843C>T on transcript NM_000384.3 (MANE Select); coding-DNA position 11843, C replaced by T.
Protein change: p.Thr3948Ile; replaces threonine 3948 with isoleucine.
Molecular consequence: missense variant.
Genome position (GRCh38, 1-based): chr2:21,004,621, G>A on the plus strand (C>T on the coding strand, the complement: APOB is on the minus strand). VCF-style: chr2-21004621-G-A. GRCh37 (hg19) VCF-style: chr2-21227493-G-A.
Other names: short protein forms T3948I.
Identifiers: ClinVar variation 5027605 (VCV005027605.1), dbSNP rs748945309.
Genomic context (GRCh38, chr2:21,004,621, plus strand): 5'-TGAAGTCCTTCATATTTGCCATCTTCTTCATATTCTGCACTGAAGTCACGGTGTGCAAAT[G>A]TTCCTTTAGTCTTAGAGGCTAACGTACCATCTTCGATTTTGTGTGTTCCCAAAACTGTAT-3'
Protein context (NP_000375.3, residues 3938-3958): DGTLASKTKG[Thr3948Ile]FAHRDFSAEY